The following is an entry in ClinVar:

ClinVar aggregate classification (germline): Uncertain significance. Review status: criteria provided, multiple submitters, no conflicts (2 of 4 stars). 2 submissions from 2 submitters: Uncertain significance (2). Last evaluated 2025-07-06.

Allele frequency attached by ClinVar (database versions not stated): gnomAD exomes 0.00001; TOPMed 0.00002; ExAC 0.00004; ESP Exome Variant Server 0.00008.
gnomAD v4.1: 4 of 1,602,992 alleles (0.00025%); highest among the groups gnomAD compares: African/African-American, 0.0027%; no homozygotes.

Submissions (2):

Labcorp Genetics (formerly Invitae), Labcorp
Classification: Uncertain significance. Last evaluated: 2025-07-06. Review status: criteria provided, single submitter. Criteria: Invitae Variant Classification Sherloc (09022015). Collection method: clinical testing. Allele origin: germline.
Comment: This sequence change replaces proline, which is neutral and non-polar, with arginine, which is basic and polar, at codon 1244 of the COL4A1 protein (p.Pro1244Arg). This variant is present in population databases (rs369700200, gnomAD 0.008%). This variant has not been reported in the literature in individuals affected with COL4A1-related conditions. ClinVar contains an entry for this variant (Variation ID: 2202310). Invitae Evidence Modeling of protein sequence and biophysical properties (such as structural, functional, and spatial information, amino acid conservation, physicochemical variation, residue mobility, and thermodynamic stability) indicates that this missense variant is not expected to disrupt COL4A1 protein function with a negative predictive value of 95%. In summary, the available evidence is currently insufficient to determine the role of this variant in disease. Therefore, it has been classified as a Variant of Uncertain Significance.

Mayo Clinic Laboratories, Mayo Clinic
Classification: Uncertain significance. Last evaluated: 2024-07-29. Review status: criteria provided, single submitter. Criteria: ACMG Guidelines, 2015. Collection method: clinical testing. Allele origin: germline. Observed: 1 variant allele.

NM_001845.6(COL4A1):c.3731C>G (p.Pro1244Arg)

Gene: COL4A1 (collagen type IV alpha 1 chain; minus strand). Cytogenetic location: 13q34.
Variant type: single nucleotide variant.
Coding change: c.3731C>G on transcript NM_001845.6 (MANE Select); coding-DNA position 3731, C replaced by G.
Protein change: p.Pro1244Arg; replaces proline 1244 with arginine.
Molecular consequence: missense variant.
Genome position (GRCh38, 1-based): chr13:110,170,558, G>C on the plus strand (C>G on the coding strand, the complement: COL4A1 is on the minus strand). VCF-style: chr13-110170558-G-C. GRCh37 (hg19) VCF-style: chr13-110822905-G-C.
Other names: p.Pro1244Arg; short protein forms P1244R.
Identifiers: ClinVar variation 2202310 (VCV002202310.5), dbSNP rs369700200, ClinGen allele CA7047166.
Genomic context (GRCh38, chr13:110,170,558, plus strand): 5'-TGAATTCTGTCCCAGTCCTCAGCCCTGGCCCCTGGCGAGATGCCCTTACCTGGCAGGCCA[G>C]GCTGGCCCTGAGGTCCGCGGTCTCCTTTGGGCCCCTCCGTGGCATGGCCTGGGGATCCCG-3'
Protein context (NP_001836.3, residues 1234-1254): PKGDRGPQGQ[Pro1244Arg]GLPGLPGPMG